The following is an entry in ClinVar:

ClinVar aggregate classification (germline): Uncertain significance. Review status: criteria provided, multiple submitters, no conflicts (2 of 4 stars). 2 submissions from 2 submitters: Uncertain significance (2). Last evaluated 2024-03-29.

Conditions:
Inborn genetic diseases. Identifiers: MedGen C0950123, MeSH D030342.

Submissions (2):

Ambry Genetics
Classification: Uncertain significance for Inborn genetic diseases. Last evaluated: 2024-03-29. Review status: criteria provided, single submitter. Criteria: Ambry Variant Classification Scheme 2023. Collection method: clinical testing. Allele origin: germline.

Labcorp Genetics (formerly Invitae), Labcorp
Classification: Uncertain significance. Last evaluated: 2022-05-19. Review status: criteria provided, single submitter. Criteria: Invitae Variant Classification Sherloc (09022015). Collection method: clinical testing. Allele origin: germline.
Comment: In summary, the available evidence is currently insufficient to determine the role of this variant in disease. Therefore, it has been classified as a Variant of Uncertain Significance. Algorithms developed to predict the effect of missense changes on protein structure and function are either unavailable or do not agree on the potential impact of this missense change (SIFT: "Deleterious"; PolyPhen-2: "Benign"; Align-GVGD: "Class C0"). This variant has not been reported in the literature in individuals affected with OBSL1-related conditions. The frequency data for this variant in the population databases is considered unreliable, as metrics indicate poor data quality at this position in the gnomAD database. This sequence change replaces proline, which is neutral and non-polar, with glutamine, which is neutral and polar, at codon 12 of the OBSL1 protein (p.Pro12Gln).

NM_015311.3(OBSL1):c.35C>A (p.Pro12Gln)

Gene: OBSL1 (obscurin like cytoskeletal adaptor 1; minus strand). Cytogenetic location: 2q35.
Variant type: single nucleotide variant.
Coding change: c.35C>A on transcript NM_015311.3 (MANE Select); coding-DNA position 35, C replaced by A.
Protein change: p.Pro12Gln; replaces proline 12 with glutamine.
Molecular consequence: missense variant.
Genome position (GRCh38, 1-based): chr2:219,571,198, G>T on the plus strand (C>A on the coding strand, the complement: OBSL1 is on the minus strand). VCF-style: chr2-219571198-G-T. GRCh37 (hg19) VCF-style: chr2-220435920-G-T.
Other names: c.35C>A, p.Pro12Gln (NM_001173408.2, NM_001173431.2); c.35C>A (NM_015311.2); short protein forms P12Q.
Identifiers: ClinVar variation 1904306 (VCV001904306.5), dbSNP rs750202870, ClinGen allele CA2131838.